The following is an entry in ClinVar:

ClinVar aggregate classification (germline): Conflicting classifications of pathogenicity. Review status: criteria provided, conflicting classifications (1 of 4 stars). 9 submissions from 7 submitters: Uncertain significance (8); Likely benign (1). Last evaluated 2026-01-18.

Conditions:
Retinitis pigmentosa (RP). Identifiers: Orphanet 791, MedGen C0035334, MeSH D012174, MONDO:0019200, OMIM 268000. Inheritance: Autosomal dominant, autosomal recessive and X linked inheritance.
Retinitis pigmentosa 35 (RP35). Identifiers: Orphanet 791, MedGen C1853214, MONDO:0012463, OMIM 610282.
Cone-rod dystrophy 10 (CORD10). Identifiers: Orphanet 1872, MedGen C1846529, MONDO:0012464, OMIM 610283.
Retinal dystrophy. Also called: Inherited retinal dystrophy. Identifiers: Orphanet 71862, MedGen C0854723, MeSH D058499, MONDO:0019118, HP:0000556.

Allele frequency attached by ClinVar (database versions not stated): ExAC 0.00058; 1000 Genomes Project 0.00060; gnomAD exomes 0.00060; 1000 Genomes Project 30x 0.00062; gnomAD 0.00062 and 0.00064; TOPMed 0.00080; ESP Exome Variant Server 0.00108.
gnomAD v4.1: 1,366 of 1,614,184 alleles (0.085%); highest among the groups gnomAD compares: Non-Finnish European, 0.1%; 1 homozygote.

Submissions (9):

Labcorp Genetics (formerly Invitae), Labcorp
Classification: Uncertain significance. Last evaluated: 2026-01-18. Review status: criteria provided, single submitter. Criteria: Invitae Variant Classification Sherloc (09022015). Collection method: clinical testing. Allele origin: germline.
Comment: This sequence change replaces glycine, which is neutral and non-polar, with alanine, which is neutral and non-polar, at codon 484 of the SEMA4A protein (p.Gly484Ala). This variant is present in population databases (rs148744804, gnomAD 0.1%), and has an allele count higher than expected for a pathogenic variant. This missense change has been observed in individual(s) with clinical features of SEMA4A-related conditions (PMID: 32483926). ClinVar contains an entry for this variant (Variation ID: 596486). Invitae Evidence Modeling of protein sequence and biophysical properties (such as structural, functional, and spatial information, amino acid conservation, physicochemical variation, residue mobility, and thermodynamic stability) indicates that this missense variant is not expected to disrupt SEMA4A protein function with a negative predictive value of 80%. In summary, the available evidence is currently insufficient to determine the role of this variant in disease. Therefore, it has been classified as a Variant of Uncertain Significance.

Blueprint Genetics
Classification: Likely benign. Last evaluated: 2024-11-05. Review status: criteria provided, single submitter. Criteria: ACMG Guidelines, 2015. Collection method: clinical testing. Allele origin: germline.

Genome-Nilou Lab
Classification: Uncertain significance for Cone-rod dystrophy 10. Last evaluated: 2023-04-11. Review status: criteria provided, single submitter. Criteria: ACMG Guidelines, 2015. Collection method: clinical testing. Allele origin: germline. Affected: no.

Genome-Nilou Lab
Classification: Uncertain significance for Retinitis pigmentosa 35. Last evaluated: 2023-04-11. Review status: criteria provided, single submitter. Criteria: ACMG Guidelines, 2015. Collection method: clinical testing. Allele origin: germline. Affected: no.

Institute of Human Genetics, Univ. Regensburg, Univ. Regensburg
Classification: Uncertain significance for Retinal dystrophy. Last evaluated: 2022-01-01. Review status: criteria provided, single submitter. Criteria: ACMG Guidelines, 2015. Collection method: clinical testing. Allele origin: germline. Affected: yes.

Eurofins Ntd Llc (ga)
Classification: Uncertain significance. Last evaluated: 2018-03-29. Review status: criteria provided, single submitter. Criteria: EGL ClinVar v180209 classification definitions. Collection method: clinical testing. Allele origin: germline. Observed: 1 variant allele, 1 heterozygote.

Illumina Laboratory Services, Illumina
Classification: Uncertain significance for Cone-rod dystrophy 10. Last evaluated: 2017-04-27. Review status: criteria provided, single submitter. Criteria: ICSL Variant Classification Criteria 13 December 2019. Collection method: clinical testing. Allele origin: germline.
Comment: This variant was observed as part of a predisposition screen in an ostensibly healthy population. A literature search was performed for the gene, cDNA change, and amino acid change (where applicable). Publications were found based on this search. However, the evidence from the literature, in combination with allele frequency data from public databases where available, was not sufficient to rule this variant in or out of causing disease. Therefore, this variant is classified as a variant of unknown significance.

Illumina Laboratory Services, Illumina
Classification: Uncertain significance for Retinitis pigmentosa. Last evaluated: 2017-04-27. Review status: criteria provided, single submitter. Criteria: ICSL Variant Classification Criteria 13 December 2019. Collection method: clinical testing. Allele origin: germline.
Comment: the same text as in the submission from Illumina Laboratory Services, Illumina above.

Breakthrough Genomics
Classification: Uncertain significance. Review status: criteria provided, single submitter. Criteria: ACMG Guidelines, 2015. Collection method: not provided. Allele origin: germline. Inheritance: Autosomal recessive inheritance. Affected: yes.

Literature cited by the submitters: PubMed 32483926 (cited by Labcorp Genetics (formerly Invitae), Labcorp and Institute of Human Genetics, Univ. Regensburg, Univ. Regensburg); PubMed 25307848 (cited by Institute of Human Genetics, Univ. Regensburg, Univ. Regensburg and Illumina Laboratory Services, Illumina); PubMed 34426522 (cited by Institute of Human Genetics, Univ. Regensburg, Univ. Regensburg).

NM_022367.4(SEMA4A):c.1451G>C (p.Gly484Ala)

Gene: SEMA4A (semaphorin 4A; plus strand). Cytogenetic location: 1q22.
Variant type: single nucleotide variant.
Coding change: c.1451G>C on transcript NM_022367.4 (MANE Select); coding-DNA position 1451, G replaced by C.
Protein change: p.Gly484Ala; replaces glycine 484 with alanine.
Molecular consequence: missense variant.
Genome position (GRCh38, 1-based): chr1:156,175,102, G>C. VCF-style: chr1-156175102-G-C. GRCh37 (hg19) VCF-style: chr1-156144893-G-C.
Other names: c.1451G>C, p.Gly484Ala (NM_001193300.2, NM_001193301.2, NM_001370567.1); c.1055G>C, p.Gly352Ala (NM_001193302.2); c.1154G>C, p.Gly385Ala (NM_001370568.1); c.944G>C, p.Gly315Ala (NM_001370569.1, NM_001370571.1); short protein forms G484A, G315A, G352A, G385A.
Identifiers: ClinVar variation 596486 (VCV000596486.20), dbSNP rs148744804, ClinGen allele CA1155377.